The following is an entry in ClinVar:

NM_001267550.2(TTN):c.56498T>C (p.Val18833Ala)

Genes: TTN (titin; minus strand), TTN-AS1 (TTN antisense RNA 1; plus strand). Cytogenetic location: 2q31.2.
Variant type: single nucleotide variant.
Coding change: c.56498T>C on transcript NM_001267550.2 (MANE Select); coding-DNA position 56498, T replaced by C.
Protein change: p.Val18833Ala; replaces valine 18833 with alanine.
Molecular consequence: missense variant.
Genome position (GRCh38, 1-based): chr2:178,599,295, A>G on the plus strand (T>C on the coding strand, the complement: TTN is on the minus strand). VCF-style: chr2-178599295-A-G. GRCh37 (hg19) VCF-style: chr2-179464022-A-G.
Other names: c.51575T>C, p.Val17192Ala (NM_001256850.1); c.29303T>C, p.Val9768Ala (NM_003319.4); c.48794T>C, p.Val16265Ala (NM_133378.4); c.29678T>C, p.Val9893Ala (NM_133432.3); c.29879T>C, p.Val9960Ala (NM_133437.4); short protein forms V16265A, V18833A, V9893A, V9960A, V17192A, V9768A.
Identifiers: ClinVar variation 4979281 (VCV004979281.1).

ClinVar aggregate classification (germline): Uncertain significance (1 of 4 stars; one submission).

Conditions:
TTN-related disorder. Also called: TTN-related condition; TTN-related disease; TTN-related disorders.

Submission:

PreventionGenetics, part of Exact Sciences
Classification: Uncertain significance for TTN-related condition. Last evaluated: 2026-05-27. Review status: criteria provided, single submitter. Criteria: ACMG Guidelines, 2015. Collection method: clinical testing. Allele origin: germline.
Comment: The TTN c.56498T>C variant is predicted to result in the amino acid substitution p.Val18833Ala. To our knowledge, this variant has not been reported in the literature or in a large population database (gnomAD), indicating this variant is rare. At this time, the clinical significance of this variant is uncertain due to the absence of conclusive functional and genetic evidence.